The following is an entry in ClinVar:

ClinVar aggregate classification (germline): Uncertain significance (1 of 4 stars; one submission).

Conditions:
Bethlem myopathy 1A. Also called: MYOPATHY, BENIGN CONGENITAL, WITH CONTRACTURES; Bethlem myopathy 1; Bethlem Muscular Dystrophy. Identifiers: Orphanet 610, MedGen CN029274, MONDO:0024530, OMIM 158810.

Allele frequency attached by ClinVar (database versions not stated): TOPMed below 0.00001.

Submission:

Labcorp Genetics (formerly Invitae), Labcorp
Classification: Uncertain significance for Bethlem myopathy 1A. Last evaluated: 2025-09-04. Review status: criteria provided, single submitter. Criteria: Invitae Variant Classification Sherloc (09022015). Collection method: clinical testing. Allele origin: germline.
Comment: This sequence change replaces leucine, which is neutral and non-polar, with glutamine, which is neutral and polar, at codon 2568 of the COL6A3 protein (p.Leu2568Gln). This variant is not present in population databases (gnomAD no frequency). This variant has not been reported in the literature in individuals affected with COL6A3-related conditions. ClinVar contains an entry for this variant (Variation ID: 1518559). Invitae Evidence Modeling of protein sequence and biophysical properties (such as structural, functional, and spatial information, amino acid conservation, physicochemical variation, residue mobility, and thermodynamic stability) has been performed for this missense variant. However, the output from this modeling did not meet the statistical confidence thresholds required to predict the impact of this variant on COL6A3 protein function. In summary, the available evidence is currently insufficient to determine the role of this variant in disease. Therefore, it has been classified as a Variant of Uncertain Significance.

NM_004369.4(COL6A3):c.7703T>A (p.Leu2568Gln)

Gene: COL6A3 (collagen type VI alpha 3 chain; minus strand). Cytogenetic location: 2q37.3.
Variant type: single nucleotide variant.
Coding change: c.7703T>A on transcript NM_004369.4 (MANE Select); coding-DNA position 7703, T replaced by A.
Protein change: p.Leu2568Gln; replaces leucine 2568 with glutamine.
Molecular consequence: missense variant.
Genome position (GRCh38, 1-based): chr2:237,342,127, A>T on the plus strand (T>A on the coding strand, the complement: COL6A3 is on the minus strand). VCF-style: chr2-237342127-A-T. GRCh37 (hg19) VCF-style: chr2-238250770-A-T.
Other names: c.5882T>A, p.Leu1961Gln (NM_057166.5); c.7085T>A, p.Leu2362Gln (NM_057167.4); short protein forms L2362Q, L2568Q, L1961Q.
Identifiers: ClinVar variation 1518559 (VCV001518559.8), dbSNP rs2077000191, ClinGen allele CA351199905.